The following is an entry in ClinVar:

ClinVar aggregate classification (germline): Uncertain significance. Review status: criteria provided, multiple submitters, no conflicts (2 of 4 stars). 2 submissions from 2 submitters: Uncertain significance (2). Last evaluated 2025-10-18.

Conditions:
Inborn genetic diseases. Identifiers: MedGen C0950123, MeSH D030342.

Submissions (2):

Labcorp Genetics (formerly Invitae), Labcorp
Classification: Uncertain significance. Last evaluated: 2025-10-18. Review status: criteria provided, single submitter. Criteria: Invitae Variant Classification Sherloc (09022015). Collection method: clinical testing. Allele origin: germline.
Comment: This sequence change replaces alanine, which is neutral and non-polar, with serine, which is neutral and polar, at codon 21 of the LAMB1 protein (p.Ala21Ser). This variant is present in population databases (rs147019264, gnomAD 0.004%). This variant has not been reported in the literature in individuals affected with LAMB1-related conditions. An algorithm developed to predict the effect of missense changes on protein structure and function (PolyPhen-2) suggests that this variant is likely to be tolerated. In summary, the available evidence is currently insufficient to determine the role of this variant in disease. Therefore, it has been classified as a Variant of Uncertain Significance.

Ambry Genetics
Classification: Uncertain significance for Inborn genetic diseases. Last evaluated: 2025-07-15. Review status: criteria provided, single submitter. Criteria: Ambry Variant Classification Scheme 2023. Collection method: clinical testing. Allele origin: germline.

NM_002291.3(LAMB1):c.61G>T (p.Ala21Ser)

Gene: LAMB1 (laminin subunit beta 1; minus strand). Cytogenetic location: 7q31.1.
Variant type: single nucleotide variant.
Coding change: c.61G>T on transcript NM_002291.3 (MANE Select); coding-DNA position 61, G replaced by T.
Protein change: p.Ala21Ser; replaces alanine 21 with serine.
Molecular consequence: missense variant.
Genome position (GRCh38, 1-based): chr7:108,001,710, C>A on the plus strand (G>T on the coding strand, the complement: LAMB1 is on the minus strand). VCF-style: chr7-108001710-C-A. GRCh37 (hg19) VCF-style: chr7-107642155-C-A.
Other names: short protein forms A21S.
Identifiers: ClinVar variation 4096315 (VCV004096315.2).